The following is an entry in ClinVar:

NM_032578.4(MYPN):c.3915G>A (p.Met1305Ile)

Gene: MYPN (myopalladin; plus strand). Cytogenetic location: 10q21.3.
Variant type: single nucleotide variant.
Coding change: c.3915G>A on transcript NM_032578.4 (MANE Select); coding-DNA position 3915, G replaced by A.
Protein change: p.Met1305Ile; replaces methionine 1305 with isoleucine.
Molecular consequence: missense variant. On other transcripts: non-coding transcript variant (2).
Genome position (GRCh38, 1-based): chr10:68,210,407, G>A. VCF-style: chr10-68210407-G-A. GRCh37 (hg19) VCF-style: chr10-69970164-G-A.
Other names: c.3915G>A (NM_032578.2); c.3915G>A, p.Met1305Ile (NM_001256267.2); c.3033G>A, p.Met1011Ile (NM_001256268.2); short protein forms M1011I, M1305I.
Identifiers: ClinVar variation 969327 (VCV000969327.12), dbSNP rs2043891482, ClinGen allele CA376830326.

ClinVar aggregate classification (germline): Conflicting classifications of pathogenicity. Review status: criteria provided, conflicting classifications (1 of 4 stars). 2 submissions from 2 submitters: Uncertain significance (1); Likely benign (1). Last evaluated 2026-08-19.

Conditions:
Cardiovascular phenotype. Identifiers: MedGen CN230736.
Dilated cardiomyopathy 1KK (CMD1KK). Identifiers: Orphanet 154, Orphanet 75249, MedGen C3714995, MONDO:0014100, OMIM 615248.

Allele frequency attached by ClinVar (database versions not stated): gnomAD exomes below 0.00001.

Submissions (2):

Ambry Genetics
Classification: Likely benign for Cardiovascular phenotype. Last evaluated: 2026-08-19. Review status: criteria provided, single submitter. Criteria: Ambry Variant Classification Scheme 2023. Collection method: clinical testing. Allele origin: germline.

Labcorp Genetics (formerly Invitae), Labcorp
Classification: Uncertain significance for Dilated cardiomyopathy 1KK. Last evaluated: 2020-02-10. Review status: criteria provided, single submitter. Criteria: Invitae Variant Classification Sherloc (09022015). Collection method: clinical testing. Allele origin: germline.
Comment: In summary, the available evidence is currently insufficient to determine the role of this variant in disease. Therefore, it has been classified as a Variant of Uncertain Significance. Algorithms developed to predict the effect of missense changes on protein structure and function output the following: SIFT: "Tolerated"; PolyPhen-2: "Benign"; Align-GVGD: "Class C0". The isoleucine amino acid residue is found in multiple mammalian species, suggesting that this missense change does not adversely affect protein function. These predictions have not been confirmed by published functional studies and their clinical significance is uncertain. This sequence change replaces methionine with isoleucine at codon 1305 of the MYPN protein (p.Met1305Ile). The methionine residue is weakly conserved and there is a small physicochemical difference between methionine and isoleucine. This variant is not present in population databases (ExAC no frequency). This variant has not been reported in the literature in individuals with MYPN-related conditions.